The following is an entry in ClinVar:

NM_004370.6(COL12A1):c.5480A>G (p.Tyr1827Cys)

Gene: COL12A1 (collagen type XII alpha 1 chain; minus strand). Cytogenetic location: 6q13.
Variant type: single nucleotide variant.
Coding change: c.5480A>G on transcript NM_004370.6 (MANE Select); coding-DNA position 5480, A replaced by G.
Protein change: p.Tyr1827Cys; replaces tyrosine 1827 with cysteine.
Molecular consequence: missense variant.
Genome position (GRCh38, 1-based): chr6:75,134,770, T>C on the plus strand (A>G on the coding strand, the complement: COL12A1 is on the minus strand). VCF-style: chr6-75134770-T-C. GRCh37 (hg19) VCF-style: chr6-75844486-T-C.
Other names: c.5480A>G, p.Tyr1827Cys (NM_001424113.1); c.5459A>G, p.Tyr1820Cys (NM_001424114.1); c.5207A>G, p.Tyr1736Cys (NM_001424115.1); c.1988A>G, p.Tyr663Cys (NM_001424116.1, NM_080645.3); short protein forms Y1736C, Y1820C, Y1827C, Y663C.
Identifiers: ClinVar variation 4976035 (VCV004976035.1).

ClinVar aggregate classification (germline): Uncertain significance (1 of 4 stars; one submission).

gnomAD v4.1: 2 of 1,612,632 alleles (0.00012%); highest among the groups gnomAD compares: Non-Finnish European, 0.00017%; no homozygotes.

Submission:

GeneDx
Classification: Uncertain significance. Last evaluated: 2026-02-03. Review status: criteria provided, single submitter. Criteria: GeneDx Variant Classification Process June 2021. Collection method: clinical testing. Allele origin: germline.
Comment: Not observed at significant frequency in large population cohorts (gnomAD); In silico analysis supports that this missense variant has a deleterious effect on protein structure/function; Has not been previously published as pathogenic or benign to our knowledge